The following is an entry in ClinVar:

NM_013275.6(ANKRD11):c.6139G>C (p.Ala2047Pro)

Gene: ANKRD11 (ankyrin repeat domain 11; minus strand). Cytogenetic location: 16q24.3.
Variant type: single nucleotide variant.
Coding change: c.6139G>C on transcript NM_013275.6 (MANE Select); coding-DNA position 6139, G replaced by C.
Protein change: p.Ala2047Pro; replaces alanine 2047 with proline.
Molecular consequence: missense variant.
Genome position (GRCh38, 1-based): chr16:89,280,403, C>G on the plus strand (G>C on the coding strand, the complement: ANKRD11 is on the minus strand). VCF-style: chr16-89280403-C-G. GRCh37 (hg19) VCF-style: chr16-89346811-C-G.
Other names: c.6139G>C, p.Ala2047Pro (NM_001256182.2, NM_001256183.2); short protein forms A2047P.
Identifiers: ClinVar variation 3637132 (VCV003637132.2).

ClinVar aggregate classification (germline): Uncertain significance (1 of 4 stars; one submission).

Conditions:
KBG syndrome (KBGS). Also called: ANKRD11-Related KBG Syndrome. Identifiers: Orphanet 2332, MedGen C0220687, MONDO:0007846, OMIM 148050.

gnomAD v4.1: 4 of 1,556,490 alleles (0.00026%); highest among the groups gnomAD compares: South Asian, 0.0048%; no homozygotes.

Submission:

Labcorp Genetics (formerly Invitae), Labcorp
Classification: Uncertain significance for KBG syndrome. Last evaluated: 2024-11-07. Review status: criteria provided, single submitter. Criteria: Invitae Variant Classification Sherloc (09022015). Collection method: clinical testing. Allele origin: germline.
Comment: This sequence change replaces alanine, which is neutral and non-polar, with proline, which is neutral and non-polar, at codon 2047 of the ANKRD11 protein (p.Ala2047Pro). This variant is not present in population databases (gnomAD no frequency). This variant has not been reported in the literature in individuals affected with ANKRD11-related conditions. Invitae Evidence Modeling of protein sequence and biophysical properties (such as structural, functional, and spatial information, amino acid conservation, physicochemical variation, residue mobility, and thermodynamic stability) indicates that this missense variant is not expected to disrupt ANKRD11 protein function with a negative predictive value of 95%. In summary, the available evidence is currently insufficient to determine the role of this variant in disease. Therefore, it has been classified as a Variant of Uncertain Significance.